The following is an entry in ClinVar:

ClinVar aggregate classification (germline): Uncertain significance (1 of 4 stars; one submission).

Submission:

Labcorp Genetics (formerly Invitae), Labcorp
Classification: Uncertain significance. Last evaluated: 2021-05-12. Review status: criteria provided, single submitter. Criteria: Invitae Variant Classification Sherloc (09022015). Collection method: clinical testing. Allele origin: germline.
Comment: In summary, the available evidence is currently insufficient to determine the role of this variant in disease. Therefore, it has been classified as a Variant of Uncertain Significance. Algorithms developed to predict the effect of missense changes on protein structure and function are either unavailable or do not agree on the potential impact of this missense change (SIFT: "Tolerated"; PolyPhen-2: "Possibly Damaging"; Align-GVGD: "Class C0"). This variant has not been reported in the literature in individuals with ZNF462-related conditions. This variant is not present in population databases (ExAC no frequency). This sequence change replaces lysine with arginine at codon 1598 of the ZNF462 protein (p.Lys1598Arg). The lysine residue is highly conserved and there is a small physicochemical difference between lysine and arginine.

NM_021224.6(ZNF462):c.4793A>G (p.Lys1598Arg)

Gene: ZNF462 (zinc finger protein 462; plus strand). Cytogenetic location: 9q31.2.
Variant type: single nucleotide variant.
Coding change: c.4793A>G on transcript NM_021224.6 (MANE Select); coding-DNA position 4793, A replaced by G.
Protein change: p.Lys1598Arg; replaces lysine 1598 with arginine.
Molecular consequence: missense variant. On other transcripts: intron variant (1).
Genome position (GRCh38, 1-based): chr9:106,928,705, A>G. VCF-style: chr9-106928705-A-G. GRCh37 (hg19) VCF-style: chr9-109690986-A-G.
Other names: c.3252+1541A>G (NM_001347997.2); short protein forms K1598R.
Identifiers: ClinVar variation 1353116 (VCV001353116.8), dbSNP rs2131504540, ClinGen allele CA374412026.
Genomic context (GRCh38, chr9:106,928,705, plus strand): 5'-GGTGCAAACTGTGTCCGTACACACACGGCACTTTGGAGAAACTAAAAATCCACTACGAGA[A>G]GTATCACAATCAGCCTGAATTTGATGTCTTTTCCCAGTCGCCCCCGAAGCTGCCAGTCCC-3'
Protein context (NP_067047.4, residues 1588-1608): TLEKLKIHYE[Lys1598Arg]YHNQPEFDVF